The following is an entry in ClinVar:

NM_183357.3(ADCY5):c.1134+7G>A

Gene: ADCY5 (adenylate cyclase 5; minus strand). Cytogenetic location: 3q21.1.
Variant type: single nucleotide variant.
Coding change: c.1134+7G>A on transcript NM_183357.3 (MANE Select); 7 bases into the intron after coding-DNA position 1134, G replaced by A.
Molecular consequence: intron variant.
Genome position (GRCh38, 1-based): chr3:123,447,405, C>T on the plus strand (G>A on the coding strand, the complement: ADCY5 is on the minus strand). VCF-style: chr3-123447405-C-T. GRCh37 (hg19) VCF-style: chr3-123166252-C-T.
Other names: c.1134+7G>A (NM_001378259.1, NM_183357.2).
Identifiers: ClinVar variation 1549598 (VCV001549598.9), dbSNP rs1559882426, ClinGen allele CA1398402638.
Genomic context (GRCh38, chr3:123,447,405, plus strand): 5'-TTCTTTGGAGTCCAGCTGAGGCCTGCCCGCCCCGCAATCCAGTCCCGGTGGCCAGGTCGG[C>T]CCCTACCTGCTTCAGCAGGAACTGGTCCTGGGCGTTGGTGCGCAGGGCGATGGCCAGGTG-3'

ClinVar aggregate classification (germline): Likely benign. Review status: criteria provided, multiple submitters, no conflicts (2 of 4 stars). 2 submissions from 2 submitters: Likely benign (2). Last evaluated 2025-07-09.

Conditions:
ADCY5-related disorder. Also called: ADCY5-related condition.

Allele frequency attached by ClinVar (database versions not stated): gnomAD exomes 0.00001.
gnomAD v4.1: 3 of 1,555,722 alleles (0.00019%); highest among the groups gnomAD compares: South Asian, 0.0012%; no homozygotes.

Submissions (2):

PreventionGenetics, part of Exact Sciences
Classification: Likely benign for ADCY5-related condition. Last evaluated: 2025-07-09. Review status: criteria provided, single submitter. Criteria: ACMG Guidelines, 2015. Collection method: clinical testing. Allele origin: germline.
Comment: This variant is classified as likely benign based on ACMG/AMP sequence variant interpretation guidelines (Richards et al. 2015 PMID: 25741868, with internal and published modifications).

Labcorp Genetics (formerly Invitae), Labcorp
Classification: Likely benign. Last evaluated: 2020-12-05. Review status: criteria provided, single submitter. Criteria: Invitae Variant Classification Sherloc (09022015). Collection method: clinical testing. Allele origin: germline.